The following is an entry in ClinVar:

ClinVar aggregate classification (germline): Uncertain significance (1 of 4 stars; one submission).

Allele frequency attached by ClinVar (database versions not stated): ExAC 0.00002; gnomAD 0.00002; TOPMed 0.00002; gnomAD exomes 0.00003.

Submission:

Labcorp Genetics (formerly Invitae), Labcorp
Classification: Uncertain significance. Last evaluated: 2024-01-19. Review status: criteria provided, single submitter. Criteria: Invitae Variant Classification Sherloc (09022015). Collection method: clinical testing. Allele origin: germline.
Comment: This sequence change replaces serine, which is neutral and polar, with phenylalanine, which is neutral and non-polar, at codon 86 of the CEP78 protein (p.Ser86Phe). This variant is present in population databases (rs773555625, gnomAD 0.004%). This variant has not been reported in the literature in individuals affected with CEP78-related conditions. ClinVar contains an entry for this variant (Variation ID: 1387978). Advanced modeling of protein sequence and biophysical properties (such as structural, functional, and spatial information, amino acid conservation, physicochemical variation, residue mobility, and thermodynamic stability) performed at Invitae indicates that this missense variant is not expected to disrupt CEP78 protein function with a negative predictive value of 80%. In summary, the available evidence is currently insufficient to determine the role of this variant in disease. Therefore, it has been classified as a Variant of Uncertain Significance.

NM_001330691.3(CEP78):c.257C>T (p.Ser86Phe)

Gene: CEP78 (centrosomal protein 78; plus strand). Cytogenetic location: 9q21.2.
Variant type: single nucleotide variant.
Coding change: c.257C>T on transcript NM_001330691.3 (MANE Select); coding-DNA position 257, C replaced by T.
Protein change: p.Ser86Phe; replaces serine 86 with phenylalanine.
Molecular consequence: missense variant.
Genome position (GRCh38, 1-based): chr9:78,240,026, C>T. VCF-style: chr9-78240026-C-T. GRCh37 (hg19) VCF-style: chr9-80854942-C-T.
Other names: c.257C>T, p.Ser86Phe (NM_001098802.3, NM_001330693.3, NM_001330694.2 and 4 more transcripts); short protein forms S86F.
Identifiers: ClinVar variation 1387978 (VCV001387978.6), dbSNP rs773555625, ClinGen allele CA5094867.